The following is an entry in ClinVar:

NM_015978.3(TNNI3K):c.2099G>C (p.Arg700Pro)

Genes: FPGT-TNNI3K (FPGT-TNNI3K readthrough; plus strand), TNNI3K (TNNI3 interacting kinase; plus strand). Cytogenetic location: 1p31.1.
Variant type: single nucleotide variant.
Coding change: c.2099G>C on transcript NM_015978.3 (MANE Select); coding-DNA position 2099, G replaced by C.
Protein change: p.Arg700Pro; replaces arginine 700 with proline.
Molecular consequence: missense variant.
Genome position (GRCh38, 1-based): chr1:74,463,528, G>C. VCF-style: chr1-74463528-G-C. GRCh37 (hg19) VCF-style: chr1-74929212-G-C.
Other names: c.2402G>C, p.Arg801Pro (NM_001112808.3, NM_001199327.2); c.2099G>C (NM_015978.2); short protein forms R700P, R801P.
Identifiers: ClinVar variation 2011405 (VCV002011405.5), dbSNP rs202055411, ClinGen allele CA340787579.

ClinVar aggregate classification (germline): Uncertain significance. Review status: criteria provided, multiple submitters, no conflicts (2 of 4 stars). 2 submissions from 2 submitters: Uncertain significance (2). Last evaluated 2026-09-21.

Conditions:
Cardiovascular phenotype. Identifiers: MedGen CN230736.

gnomAD v4.1: 2 of 1,614,060 alleles (0.00012%); highest among the groups gnomAD compares: Non-Finnish European, 0.00017%; no homozygotes.

Submissions (2):

Molecular Diagnostic Laboratory for Inherited Cardiovascular Disease, Montreal Heart Institute
Classification: Uncertain significance for Cardiovascular phenotype. Last evaluated: 2026-09-21. Review status: criteria provided, single submitter. Criteria: ACMG Guidelines, 2015. Collection method: clinical testing. Allele origin: germline. Affected: yes.
Comment: PM1, PM2, PP3

Labcorp Genetics (formerly Invitae), Labcorp
Classification: Uncertain significance. Last evaluated: 2022-06-29. Review status: criteria provided, single submitter. Criteria: Invitae Variant Classification Sherloc (09022015). Collection method: clinical testing. Allele origin: germline.
Comment: In summary, the available evidence is currently insufficient to determine the role of this variant in disease. Therefore, it has been classified as a Variant of Uncertain Significance. Algorithms developed to predict the effect of missense changes on protein structure and function (SIFT, PolyPhen-2, Align-GVGD) all suggest that this variant is likely to be disruptive. This variant has not been reported in the literature in individuals affected with TNNI3K-related conditions. This variant is not present in population databases (gnomAD no frequency). This sequence change replaces arginine, which is basic and polar, with proline, which is neutral and non-polar, at codon 700 of the TNNI3K protein (p.Arg700Pro).